The following is an entry in ClinVar:

NM_001972.4(ELANE):c.37G>T (p.Ala13Ser)

Gene: ELANE (elastase, neutrophil expressed; plus strand). Cytogenetic location: 19p13.3.
Variant type: single nucleotide variant.
Coding change: c.37G>T on transcript NM_001972.4 (MANE Select); coding-DNA position 37, G replaced by T.
Protein change: p.Ala13Ser; replaces alanine 13 with serine.
Molecular consequence: missense variant.
Genome position (GRCh38, 1-based): chr19:852,365, G>T. VCF-style: chr19-852365-G-T. GRCh37 (hg19) VCF-style: chr19-852365-G-T.
Other names: short protein forms A13S.
Identifiers: ClinVar variation 4790434 (VCV004790434.2).

ClinVar aggregate classification (germline): Uncertain significance. Review status: criteria provided, multiple submitters, no conflicts (2 of 4 stars). 2 submissions from 2 submitters: Uncertain significance (2). Last evaluated 2025-03-07.

Conditions:
Cyclical neutropenia. Also called: Cyclic hematopoiesis; Cyclic Neutropenia. Identifiers: Orphanet 2686, MedGen C0221023, MONDO:0008090, OMIM 162800, HP:0040289. Disease mechanism: loss of function.
Neutropenia, severe congenital, 1, autosomal dominant. Identifiers: MedGen C1859966, MONDO:0042490, OMIM 202700.

Submissions (2):

Labcorp Genetics (formerly Invitae), Labcorp
Classification: Uncertain significance for Neutropenia, severe congenital, 1, autosomal dominant; Cyclical neutropenia. Last evaluated: 2025-03-07. Review status: criteria provided, single submitter. Criteria: Invitae Variant Classification Sherloc (09022015). Collection method: clinical testing. Allele origin: germline.
Comment: This sequence change replaces alanine, which is neutral and non-polar, with serine, which is neutral and polar, at codon 13 of the ELANE protein (p.Ala13Ser). This variant is not present in population databases (gnomAD no frequency). This variant has not been reported in the literature in individuals affected with ELANE-related conditions. Invitae Evidence Modeling of protein sequence and biophysical properties (such as structural, functional, and spatial information, amino acid conservation, physicochemical variation, residue mobility, and thermodynamic stability) indicates that this missense variant is not expected to disrupt ELANE protein function with a negative predictive value of 95%. In summary, the available evidence is currently insufficient to determine the role of this variant in disease. Therefore, it has been classified as a Variant of Uncertain Significance.

Blueprint Genetics
Classification: Uncertain significance. Last evaluated: 2024-01-02. Review status: criteria provided, single submitter. Criteria: ACMG Guidelines, 2015. Collection method: clinical testing. Allele origin: germline.